The following is an entry in ClinVar:

ClinVar aggregate classification (germline): Uncertain significance. Review status: criteria provided, multiple submitters, no conflicts (2 of 4 stars). 4 submissions from 4 submitters: Uncertain significance (4). Last evaluated 2024-10-02.

Conditions:
Congenital multicore myopathy with external ophthalmoplegia (CMYO1B). Also called: MULTICORE MYOPATHY; MULTIMINICORE DISEASE WITH EXTERNAL OPHTHALMOPLEGIA; Congenital myopathy 1B, autosomal recessive; Minicore myopathy; Minicore myopathy with external ophthalmoplegia. Identifiers: Orphanet 598, Orphanet 98905, MedGen C1850674, MONDO:0009712, OMIM 255320, HP:0003789.
Central core myopathy (CMYO1A). Also called: CONGENITAL MYOPATHY 1A, AUTOSOMAL DOMINANT, WITH SUSCEPTIBILITY TO MALIGNANT HYPERTHERMIA; Central core disease; Myopathy, central fibrillar. Identifiers: Orphanet 597, MedGen C5830701, MONDO:0007294, OMIM 117000.
Malignant hyperthermia, susceptibility to, 1 (MHS1). Also called: RYR1-Related Malignant Hyperthermia Susceptibility; Malignant hyperthermia suceptibility 1; Anesthesia related hyperthermia; Malignant hyperpyrexia; Fulminating hyperpyrexia; Pharmacogenic myopathy. Identifiers: Orphanet 423, MedGen C2930980, MONDO:0007783, OMIM 145600.
Congenital myopathy with fiber type disproportion. Also called: Congenital fiber-type disproportion; Congenital fiber-type disproportion myopathy. Identifiers: Orphanet 2020, MedGen C0546264, MONDO:0009711. Inheritance: all.
King Denborough syndrome (KDS). Identifiers: MedGen C1840365, MONDO:0020485, OMIM 619542.
RYR1-related disorder. Also called: RYR1-related disorders; RYR1-related condition. Identifiers: MedGen CN239331.

Allele frequency attached by ClinVar (database versions not stated): ExAC 0.00001; gnomAD exomes 0.00001; gnomAD 0.00002 and 0.00003; TOPMed 0.00003.
gnomAD v4.1: 20 of 1,614,130 alleles (0.0012%); highest among the groups gnomAD compares: Non-Finnish European, 0.0016%; no homozygotes.

Submissions (4):

Labcorp Genetics (formerly Invitae), Labcorp
Classification: Uncertain significance for RYR1-related disorder. Last evaluated: 2024-10-02. Review status: criteria provided, single submitter. Criteria: Invitae Variant Classification Sherloc (09022015). Collection method: clinical testing. Allele origin: germline.
Comment: This sequence change replaces serine, which is neutral and polar, with cysteine, which is neutral and slightly polar, at codon 1079 of the RYR1 protein (p.Ser1079Cys). This variant is present in population databases (rs773926353, gnomAD 0.002%). This variant has not been reported in the literature in individuals affected with RYR1-related conditions. ClinVar contains an entry for this variant (Variation ID: 201147). Invitae Evidence Modeling of protein sequence and biophysical properties (such as structural, functional, and spatial information, amino acid conservation, physicochemical variation, residue mobility, and thermodynamic stability) indicates that this missense variant is not expected to disrupt RYR1 protein function with a negative predictive value of 95%. In summary, the available evidence is currently insufficient to determine the role of this variant in disease. Therefore, it has been classified as a Variant of Uncertain Significance.

All of Us Research Program, National Institutes of Health
Classification: Uncertain significance for Malignant hyperthermia, susceptibility to, 1. Last evaluated: 2024-08-23. Review status: criteria provided, single submitter. Criteria: ACMG Guidelines, 2015. Collection method: clinical testing. Allele origin: germline. Inheritance: Autosomal dominant inheritance. Observed: 5 variant alleles, 5 heterozygotes.
Comment: This missense variant replaces serine with cysteine at codon 1079 of the RYR1 protein. Computational prediction is inconclusive regarding the impact of this variant on protein structure and function (internally defined REVEL score threshold 0.5 < inconclusive < 0.7, PMID: 27666373). To our knowledge, functional studies have not been reported for this variant. This variant has not been reported in individuals affected with RYR1-related disorders in the literature. This variant has been identified in 2/251484 chromosomes in the general population by the Genome Aggregation Database (gnomAD). The available evidence is insufficient to determine the role of this variant in disease conclusively. Therefore, this variant is classified as a Variant of Uncertain Significance.

This study involves interpretation of variants in research participants for the purpose of population health screening. Participant phenotype was not available at the time of variant classification. Additional details can be found in publication PMID: 35346344, PMCID: PMC8962531

Color Diagnostics, LLC DBA Color Health
Classification: Uncertain significance for Malignant hyperthermia, susceptibility to, 1. Last evaluated: 2024-08-06. Review status: criteria provided, single submitter. Criteria: ACMG Guidelines, 2015. Collection method: clinical testing. Allele origin: germline.
Comment: This missense variant replaces serine with cysteine at codon 1079 of the RYR1 protein. Computational prediction is inconclusive regarding the impact of this variant on protein structure and function. To our knowledge, functional studies have not been reported for this variant. This variant has not been reported in individuals affected with RYR1-related disorders in the literature. This variant has been identified in 2/251484 chromosomes in the general population by the Genome Aggregation Database (gnomAD). The available evidence is insufficient to determine the role of this variant in disease conclusively. Therefore, this variant is classified as a Variant of Uncertain Significance.

Fulgent Genetics
Classification: Uncertain significance for Central core myopathy; Malignant hyperthermia, susceptibility to, 1; Congenital myopathy 4A, autosomal dominant; Congenital multicore myopathy with external ophthalmoplegia; King Denborough syndrome. Last evaluated: 2021-11-11. Review status: criteria provided, single submitter. Criteria: ACMG Guidelines, 2015. Collection method: clinical testing. Allele origin: unknown.

NM_000540.3(RYR1):c.3236C>G (p.Ser1079Cys)

Gene: RYR1 (ryanodine receptor 1; plus strand). Cytogenetic location: 19q13.2.
Variant type: single nucleotide variant.
Coding change: c.3236C>G on transcript NM_000540.3 (MANE Select); coding-DNA position 3236, C replaced by G.
Protein change: p.Ser1079Cys; replaces serine 1079 with cysteine.
Molecular consequence: missense variant.
Genome position (GRCh38, 1-based): chr19:38,467,667, C>G. VCF-style: chr19-38467667-C-G. GRCh37 (hg19) VCF-style: chr19-38958307-C-G.
Other names: c.3236C>G, p.Ser1079Cys (NM_001042723.2); short protein forms S1079C.
Identifiers: ClinVar variation 201147 (VCV000201147.11), dbSNP rs773926353, ClinGen allele CA024390.